The following is an entry in ClinVar:

NM_138459.5(NUS1):c.638A>G (p.Gln213Arg)

Gene: NUS1 (NUS1 dehydrodolichyl diphosphate synthase subunit; plus strand). Cytogenetic location: 6q22.1.
Variant type: single nucleotide variant.
Coding change: c.638A>G on transcript NM_138459.5 (MANE Select); coding-DNA position 638, A replaced by G.
Protein change: p.Gln213Arg; replaces glutamine 213 with arginine.
Molecular consequence: missense variant.
Genome position (GRCh38, 1-based): chr6:117,694,127, A>G. VCF-style: chr6-117694127-A-G. GRCh37 (hg19) VCF-style: chr6-118015290-A-G.
Other names: c.638A>G (NM_138459.3); short protein forms Q213R.
Identifiers: ClinVar variation 1442512 (VCV001442512.7), dbSNP rs771454891, ClinGen allele CA3977156.

ClinVar aggregate classification (germline): Uncertain significance. Review status: criteria provided, multiple submitters, no conflicts (2 of 4 stars). 2 submissions from 2 submitters: Uncertain significance (2). Last evaluated 2025-10-02.

Conditions:
Inborn genetic diseases. Identifiers: MedGen C0950123, MeSH D030342.
Congenital disorder of glycosylation, type Iaa. Also called: Congenital disorder of glycosylation, type 1aa. Identifiers: MedGen C4310727, MONDO:0014904, OMIM 617082.

Allele frequency attached by ClinVar (database versions not stated): gnomAD exomes 0.00003 and 0.00002; gnomAD 0.00002; TOPMed 0.00002; ExAC 0.00003.
gnomAD v4.1: 42 of 1,611,780 alleles (0.0026%); highest among the groups gnomAD compares: Non-Finnish European, 0.0035%; no homozygotes.

Submissions (2):

Ambry Genetics
Classification: Uncertain significance for Inborn genetic diseases. Last evaluated: 2025-10-02. Review status: criteria provided, single submitter. Criteria: Ambry Variant Classification Scheme 2023. Collection method: clinical testing. Allele origin: germline.

Labcorp Genetics (formerly Invitae), Labcorp
Classification: Uncertain significance for Congenital disorder of glycosylation, type Iaa. Last evaluated: 2022-06-14. Review status: criteria provided, single submitter. Criteria: Invitae Variant Classification Sherloc (09022015). Collection method: clinical testing. Allele origin: germline.
Comment: In summary, the available evidence is currently insufficient to determine the role of this variant in disease. Therefore, it has been classified as a Variant of Uncertain Significance. Algorithms developed to predict the effect of missense changes on protein structure and function (SIFT, PolyPhen-2, Align-GVGD) all suggest that this variant is likely to be tolerated. This variant has not been reported in the literature in individuals affected with NUS1-related conditions. This variant is present in population databases (rs771454891, gnomAD 0.004%). This sequence change replaces glutamine, which is neutral and polar, with arginine, which is basic and polar, at codon 213 of the NUS1 protein (p.Gln213Arg).